The following is an entry in ClinVar:

ClinVar aggregate classification (germline): Uncertain significance (1 of 4 stars; one submission).

Conditions:
Primary ciliary dyskinesia. Also called: Ciliary dyskinesia. Identifiers: Orphanet 244, MedGen C0008780, MONDO:0016575, HP:0012265.

Allele frequency attached by ClinVar (database versions not stated): ExAC 0.00001; gnomAD exomes 0.00001; TOPMed 0.00001; gnomAD 0.00002.
gnomAD v4.1: 8 of 1,530,598 alleles (0.00052%); highest among the groups gnomAD compares: East Asian, 0.0023%; no homozygotes.

Submission:

Labcorp Genetics (formerly Invitae), Labcorp
Classification: Uncertain significance for Primary ciliary dyskinesia. Last evaluated: 2024-02-26. Review status: criteria provided, single submitter. Criteria: Invitae Variant Classification Sherloc (09022015). Collection method: clinical testing. Allele origin: germline.
Comment: This sequence change replaces serine, which is neutral and polar, with asparagine, which is neutral and polar, at codon 479 of the CCDC114 protein (p.Ser479Asn). This variant is present in population databases (rs758487756, gnomAD 0.001%). This variant has not been reported in the literature in individuals affected with CCDC114-related conditions. ClinVar contains an entry for this variant (Variation ID: 2159329). An algorithm developed to predict the effect of missense changes on protein structure and function (PolyPhen-2) suggests that this variant is likely to be disruptive. In summary, the available evidence is currently insufficient to determine the role of this variant in disease. Therefore, it has been classified as a Variant of Uncertain Significance.

NM_001364171.2(ODAD1):c.1547G>A (p.Ser516Asn)

Gene: ODAD1 (outer dynein arm docking complex subunit 1; minus strand). Cytogenetic location: 19q13.33.
Variant type: single nucleotide variant.
Coding change: c.1547G>A on transcript NM_001364171.2 (MANE Select); coding-DNA position 1547, G replaced by A.
Protein change: p.Ser516Asn; replaces serine 516 with asparagine.
Molecular consequence: missense variant.
Genome position (GRCh38, 1-based): chr19:48,297,624, C>T on the plus strand (G>A on the coding strand, the complement: ODAD1 is on the minus strand). VCF-style: chr19-48297624-C-T. GRCh37 (hg19) VCF-style: chr19-48800881-C-T.
Other names: c.1436G>A, p.Ser479Asn (NM_144577.4); short protein forms S479N, S516N.
Identifiers: ClinVar variation 2159329 (VCV002159329.4), dbSNP rs758487756, ClinGen allele CA9548648.